The following is an entry in ClinVar:

ClinVar aggregate classification (germline): Likely benign. Review status: criteria provided, multiple submitters, no conflicts (2 of 4 stars). 3 submissions from 3 submitters: Likely benign (2). 1 of the submissions does not count toward it. Last evaluated 2026-09-21.

Conditions:
Cardiomyopathy (CMYO). Also called: Cardiomyopathies. Identifiers: Orphanet 167848, MedGen C0878544, MONDO:0004994, HP:0001638. Inheritance: Various modes of inheritance.
Dystrophin deficiency.
Duchenne muscular dystrophy (DMD). Also called: Duchenne Muscular Dystrophy (DMD); MUSCULAR DYSTROPHY, PSEUDOHYPERTROPHIC PROGRESSIVE, DUCHENNE TYPE. Identifiers: Orphanet 98896, MedGen C0013264, MONDO:0010679, OMIM 310200.
Becker muscular dystrophy (BMD). Also called: Becker Muscular Dystrophy (BMD); MUSCULAR DYSTROPHY, PSEUDOHYPERTROPHIC PROGRESSIVE, BECKER TYPE. Identifiers: Orphanet 98895, MedGen C0917713, MONDO:0010311, OMIM 300376.

Allele frequency attached by ClinVar (database versions not stated): gnomAD 0.00011 and 0.00010; ESP Exome Variant Server 0.00019; gnomAD exomes 0.00001 and 0.00002; ExAC 0.00006; TOPMed 0.00008; 1000 Genomes Project 0.00026; 1000 Genomes Project 30x 0.00042.
gnomAD v4.1: 25 of 1,205,777 alleles (0.0021%); highest among the groups gnomAD compares: African/African-American, 0.038%; no homozygotes.

Submissions (3):

Molecular Diagnostic Laboratory for Inherited Cardiovascular Disease, Montreal Heart Institute
Classification: Likely benign. Last evaluated: 2026-09-21. Review status: criteria provided, single submitter. Criteria: ACMG Guidelines, 2015. Collection method: clinical testing. Allele origin: germline. Affected: no.
Comment: BS1;BP1;BP4

GeneDx
Classification: Likely benign. Last evaluated: 2015-03-13. Review status: criteria provided, single submitter. Criteria: GeneDx Variant Classification (06012015). Collection method: clinical testing. Allele origin: germline. Affected: yes.
Comment: This variant is considered likely benign or benign based on one or more of the following criteria: it is a conservative change, it occurs at a poorly conserved position in the protein, it is predicted to be benign by multiple in silico algorithms, and/or has population frequency not consistent with disease.

Natera, Inc.
Classification: Likely benign for Becker muscular dystrophy; Cardiomyopathy; Duchenne muscular dystrophy; Dystrophin deficiency. Last evaluated: 2018-07-03. Review status: no assertion criteria provided. Collection method: clinical testing. Allele origin: germline. Not counted in ClinVar's aggregate classification.

NM_004006.3(DMD):c.*15A>G

Gene: DMD (dystrophin; minus strand). Cytogenetic location: Xp21.2.
Variant type: single nucleotide variant.
Coding change: c.*15A>G on transcript NM_004006.3 (MANE Select); 15 bases downstream of the stop codon, A replaced by G.
Molecular consequence: 3 prime UTR variant. On other transcripts: missense variant (5).
Genome position (GRCh38, 1-based): chrX:31,121,904, T>C on the plus strand (A>G on the coding strand, the complement: DMD is on the minus strand). VCF-style: chrX-31121904-T-C. GRCh37 (hg19) VCF-style: chrX-31140021-T-C.
Other names: c.1837A>G (NM_004016.2); c.*15A>G (NM_000109.4, NM_004009.3, NM_004010.3 and 7 more transcripts); c.1837A>G, p.Met613Val (NM_004016.3); c.1798A>G, p.Met600Val (NM_004018.3); c.3661A>G, p.Met1221Val (NM_004021.3); c.3622A>G, p.Met1208Val (NM_004022.3); c.3331A>G, p.Met1111Val (NM_004023.3); short protein forms M613V, M1111V, M1221V, M1208V, M600V.
Identifiers: ClinVar variation 377776 (VCV000377776.3), dbSNP rs149405184, ClinGen allele CA10377452.